The following is an entry in ClinVar:

NM_005045.4(RELN):c.1552A>G (p.Lys518Glu)

Gene: RELN (reelin; minus strand). Cytogenetic location: 7q22.1.
Variant type: single nucleotide variant.
Coding change: c.1552A>G on transcript NM_005045.4 (MANE Select); coding-DNA position 1552, A replaced by G.
Protein change: p.Lys518Glu; replaces lysine 518 with glutamic acid.
Molecular consequence: missense variant.
Genome position (GRCh38, 1-based): chr7:103,654,095, T>C on the plus strand (A>G on the coding strand, the complement: RELN is on the minus strand). VCF-style: chr7-103654095-T-C. GRCh37 (hg19) VCF-style: chr7-103294542-T-C.
Other names: c.1552A>G (NM_005045.3); c.1552A>G, p.Lys518Glu (NM_173054.3); short protein forms K518E.
Identifiers: ClinVar variation 1043416 (VCV001043416.9), dbSNP rs1832977510, ClinGen allele CA368766212.

ClinVar aggregate classification (germline): Uncertain significance. Review status: criteria provided, multiple submitters, no conflicts (2 of 4 stars). 2 submissions from 2 submitters: Uncertain significance (2). Last evaluated 2024-12-05.

Conditions:
Norman-Roberts syndrome (LIS2). Also called: Lissencephaly 2 (Norman-Roberts type). Identifiers: Orphanet 89844, MedGen C0796089, MONDO:0009760, OMIM 257320.
Familial temporal lobe epilepsy 7. Identifiers: Orphanet 101046, MedGen C4225327, MONDO:0014639, OMIM 616436.
Inborn genetic diseases. Identifiers: MedGen C0950123, MeSH D030342.

Submissions (2):

Ambry Genetics
Classification: Uncertain significance for Inborn genetic diseases. Last evaluated: 2024-12-05. Review status: criteria provided, single submitter. Criteria: Ambry Variant Classification Scheme 2023. Collection method: clinical testing. Allele origin: germline.

Labcorp Genetics (formerly Invitae), Labcorp
Classification: Uncertain significance for Familial temporal lobe epilepsy 7; Norman-Roberts syndrome. Last evaluated: 2022-06-13. Review status: criteria provided, single submitter. Criteria: Invitae Variant Classification Sherloc (09022015). Collection method: clinical testing. Allele origin: germline.
Comment: In summary, the available evidence is currently insufficient to determine the role of this variant in disease. Therefore, it has been classified as a Variant of Uncertain Significance. Algorithms developed to predict the effect of missense changes on protein structure and function are either unavailable or do not agree on the potential impact of this missense change (SIFT: "Deleterious"; PolyPhen-2: "Benign"; Align-GVGD: "Class C0"). ClinVar contains an entry for this variant (Variation ID: 1043416). This variant has not been reported in the literature in individuals affected with RELN-related conditions. This variant is not present in population databases (gnomAD no frequency). This sequence change replaces lysine, which is basic and polar, with glutamic acid, which is acidic and polar, at codon 518 of the RELN protein (p.Lys518Glu).